The following is an entry in ClinVar:

ClinVar aggregate classification (germline): Uncertain significance (1 of 4 stars; one submission).

gnomAD v4.1: 1 of 1,608,044 alleles (0.000062%); highest among the groups gnomAD compares: Non-Finnish European, 0.000085%; no homozygotes.

Submission:

Labcorp Genetics (formerly Invitae), Labcorp
Classification: Uncertain significance. Last evaluated: 2022-05-15. Review status: criteria provided, single submitter. Criteria: Invitae Variant Classification Sherloc (09022015). Collection method: clinical testing. Allele origin: germline.
Comment: Algorithms developed to predict the effect of missense changes on protein structure and function are either unavailable or do not agree on the potential impact of this missense change (SIFT: "Tolerated"; PolyPhen-2: "Probably Damaging"; Align-GVGD: "Class C0"). This variant has not been reported in the literature in individuals affected with COL9A2-related conditions. This variant is not present in population databases (gnomAD no frequency). This sequence change replaces leucine, which is neutral and non-polar, with phenylalanine, which is neutral and non-polar, at codon 625 of the COL9A2 protein (p.Leu625Phe). In summary, the available evidence is currently insufficient to determine the role of this variant in disease. Therefore, it has been classified as a Variant of Uncertain Significance.

NM_001852.4(COL9A2):c.1873C>T (p.Leu625Phe)

Gene: COL9A2 (collagen type IX alpha 2 chain; minus strand). Cytogenetic location: 1p34.2.
Variant type: single nucleotide variant.
Coding change: c.1873C>T on transcript NM_001852.4 (MANE Select); coding-DNA position 1873, C replaced by T.
Protein change: p.Leu625Phe; replaces leucine 625 with phenylalanine.
Molecular consequence: missense variant.
Genome position (GRCh38, 1-based): chr1:40,301,379, G>A on the plus strand (C>T on the coding strand, the complement: COL9A2 is on the minus strand). VCF-style: chr1-40301379-G-A. GRCh37 (hg19) VCF-style: chr1-40767051-G-A.
Other names: short protein forms L625F.
Identifiers: ClinVar variation 1962034 (VCV001962034.5), dbSNP rs2522468051, ClinGen allele CA339874444.